The following is an entry in ClinVar:

ClinVar aggregate classification (germline): Uncertain significance (1 of 4 stars; one submission).

Conditions:
Perlman syndrome (PRLMNS). Identifiers: Orphanet 2849, MedGen C0796113, MONDO:0009965, OMIM 267000.

Submission:

Labcorp Genetics (formerly Invitae), Labcorp
Classification: Uncertain significance for Perlman syndrome. Last evaluated: 2021-06-15. Review status: criteria provided, single submitter. Criteria: Invitae Variant Classification Sherloc (09022015). Collection method: clinical testing. Allele origin: germline.
Comment: This sequence change replaces asparagine with serine at codon 531 of the DIS3L2 protein (p.Asn531Ser). The asparagine residue is moderately conserved and there is a small physicochemical difference between asparagine and serine. This variant is not present in population databases (ExAC no frequency). This variant has not been reported in the literature in individuals with DIS3L2-related conditions. Algorithms developed to predict the effect of missense changes on protein structure and function (SIFT, PolyPhen-2, Align-GVGD) all suggest that this variant is likely to be tolerated, but these predictions have not been confirmed by published functional studies and their clinical significance is uncertain. In summary, the available evidence is currently insufficient to determine the role of this variant in disease. Therefore, it has been classified as a Variant of Uncertain Significance.

NM_152383.5(DIS3L2):c.1592A>G (p.Asn531Ser)

Gene: DIS3L2 (DIS3 like 3'-5' exoribonuclease 2; plus strand). Cytogenetic location: 2q37.1.
Variant type: single nucleotide variant.
Coding change: c.1592A>G on transcript NM_152383.5 (MANE Select); coding-DNA position 1592, A replaced by G.
Protein change: p.Asn531Ser; replaces asparagine 531 with serine.
Molecular consequence: missense variant. On other transcripts: non-coding transcript variant (2), intron variant (1).
Genome position (GRCh38, 1-based): chr2:232,263,373, A>G. VCF-style: chr2-232263373-A-G. GRCh37 (hg19) VCF-style: chr2-233128083-A-G.
Other names: c.1581+11A>G (NM_001257281.2); short protein forms N531S.
Identifiers: ClinVar variation 1401036 (VCV001401036.8), dbSNP rs2106281282, ClinGen allele CA350975596.
Genomic context (GRCh38, chr2:232,263,373, plus strand): 5'-AAGAGCTGCCCCCCATTTCCCCAGAGCATAGCAGCGAGGAGGTACACCAGGCCGTCTTGA[A>G]TCTCCACGGAATTGCCAAGCAGTTACGCCAGCAGCGCTTTGTGGACGGCGCACTTCGTTT-3'
Protein context (NP_689596.4, residues 521-541): SSEEVHQAVL[Asn531Ser]LHGIAKQLRQ